The following is an entry in ClinVar:

ClinVar aggregate classification (germline): Uncertain significance. Review status: criteria provided, multiple submitters, no conflicts (2 of 4 stars). 2 submissions from 2 submitters: Uncertain significance (2). Last evaluated 2021-07-01.

Conditions:
Aortic aneurysm, familial thoracic 8 (AAT8). Identifiers: MedGen C3809513, MONDO:0014187, OMIM 615436.

gnomAD v4.1: 1 of 1,612,768 alleles (0.000062%); highest among the groups gnomAD compares: Non-Finnish European, 0.000085%; no homozygotes.

Submissions (2):

Fulgent Genetics
Classification: Uncertain significance for Aortic aneurysm, familial thoracic 8. Last evaluated: 2021-07-01. Review status: criteria provided, single submitter. Criteria: ACMG Guidelines, 2015. Collection method: clinical testing. Allele origin: unknown.

Labcorp Genetics (formerly Invitae), Labcorp
Classification: Uncertain significance for Aortic aneurysm, familial thoracic 8. Last evaluated: 2021-03-10. Review status: criteria provided, single submitter. Criteria: Invitae Variant Classification Sherloc (09022015). Collection method: clinical testing. Allele origin: germline.
Comment: This sequence change replaces threonine with serine at codon 646 of the PRKG1 protein (p.Thr646Ser). The threonine residue is highly conserved and there is a small physicochemical difference between threonine and serine. This variant is not present in population databases (ExAC no frequency). This variant has not been reported in the literature in individuals with PRKG1-related conditions. Algorithms developed to predict the effect of missense changes on protein structure and function (SIFT, PolyPhen-2, Align-GVGD) all suggest that this variant is likely to be tolerated, but these predictions have not been confirmed by published functional studies and their clinical significance is uncertain. In summary, the available evidence is currently insufficient to determine the role of this variant in disease. Therefore, it has been classified as a Variant of Uncertain Significance.

NM_006258.4(PRKG1):c.1936A>T (p.Thr646Ser)

Gene: PRKG1 (protein kinase cGMP-dependent 1; plus strand). Cytogenetic location: 10q21.1.
Variant type: single nucleotide variant.
Coding change: c.1936A>T on transcript NM_006258.4 (MANE Select); coding-DNA position 1936, A replaced by T.
Protein change: p.Thr646Ser; replaces threonine 646 with serine.
Molecular consequence: missense variant.
Genome position (GRCh38, 1-based): chr10:52,290,264, A>T. VCF-style: chr10-52290264-A-T. GRCh37 (hg19) VCF-style: chr10-54050024-A-T.
Other names: c.1891A>T, p.Thr631Ser (NM_001098512.3); c.727A>T, p.Thr243Ser (NM_001374781.1); short protein forms T243S, T631S, T646S.
Identifiers: ClinVar variation 1471413 (VCV001471413.9), dbSNP rs1057524623, ClinGen allele CA376536660.